The following is an entry in ClinVar:

NM_000492.4(CFTR):c.2991G>C (p.Leu997Phe)

Genes: CFTR (CF transmembrane conductance regulator; plus strand), CFTR-AS2 (CFTR antisense RNA 2; minus strand), LOC111674472 (DNase I hypersensitive sites in introns 16 and 17a of CFTR; plus strand). Cytogenetic location: 7q31.2.
Variant type: single nucleotide variant.
Coding change: c.2991G>C on transcript NM_000492.4 (MANE Select); coding-DNA position 2991, G replaced by C.
Protein change: p.Leu997Phe; replaces leucine 997 with phenylalanine.
Molecular consequence: missense variant.
Genome position (GRCh38, 1-based): chr7:117,610,521, G>C. VCF-style: chr7-117610521-G-C. GRCh37 (hg19) VCF-style: chr7-117250575-G-C.
Other names: short protein forms L997F.
Identifiers: ClinVar variation 7229 (VCV000007229.103), dbSNP rs1800111, ClinGen allele CA090907.

ClinVar aggregate classification (germline): Conflicting classifications of pathogenicity. Review status: criteria provided, conflicting classifications (1 of 4 stars). 34 submissions from 32 submitters: Pathogenic (4); Likely pathogenic (1); Uncertain significance (14); Benign (2); Likely benign (1). 12 of the submissions do not count toward it. Last evaluated 2026-06-01.

Conditions:
Pancreatitis. Identifiers: MedGen C0030305, MONDO:0004982, HP:0001733.
CFTR-related disorder (CFTR-RD). Also called: CFTR-related condition; CFTR-related disorders. Identifiers: MedGen C5924204, MONDO:7770004.
Hereditary pancreatitis (PCTT). Also called: Hereditary chronic pancreatitis; PRSS1-Related Hereditary Pancreatitis. Identifiers: Orphanet 676, MedGen C0238339, MONDO:0008185, OMIM 167800.
Bronchiectasis with or without elevated sweat chloride 1 (BESC1). Also called: Cystic Fibrosis-Like Syndrome. Identifiers: Orphanet 60033, MedGen C2749757, MONDO:0008887, OMIM 211400.
Congenital bilateral aplasia of vas deferens from CFTR mutation (CBAVD). Identifiers: Orphanet 48, MedGen C0403814, MONDO:0010178, OMIM 277180. Disease mechanism: loss of function.
Cystic fibrosis (CF). Also called: MUCOVISCIDOSIS. Identifiers: Orphanet 586, MedGen C0010674, MONDO:0009061, OMIM 219700. Disease mechanism: loss of function.
Infertility disorder. Also called: Infertility. Identifiers: MedGen C0021359, MeSH D007246, MONDO:0005047, HP:0000789.
Pancreatitis, idiopathic, susceptibility to.
Hypertrypsinemia, neonatal, susceptibility to.
Obstructive azoospermia. Identifiers: MedGen C4023106, HP:0011962.

Allele frequency attached by ClinVar (database versions not stated): gnomAD 0.00209 and 0.00208; ExAC 0.00210; gnomAD exomes 0.00229; 1000 Genomes Project 0.00180; TOPMed 0.00262; 1000 Genomes Project 30x 0.00187.
gnomAD v4.1: 2,937 of 1,611,990 alleles (0.18%); highest among the groups gnomAD compares: Middle Eastern, 0.79%; 9 homozygotes.

Submissions 1 to 7 of 34:

CeGaT Center for Human Genetics Tuebingen
Classification: Pathogenic. Last evaluated: 2026-06-01. Review status: criteria provided, single submitter. Criteria: CeGaT Center For Human Genetics Tuebingen Variant Classification Criteria Version 2. Collection method: clinical testing. Allele origin: germline. Affected: yes. Observed: 24 variant alleles.
Comment: CFTR: PM3:Very Strong, PM2:Supporting, PS3:Supporting

Dasa
Classification: Uncertain significance. Last evaluated: 2026-04-25. Review status: criteria provided, single submitter. Criteria: DASA Assertion Criteria. Collection method: clinical testing. Allele origin: germline.
Comment: NM_000492.4(CFTR):c.2991G>C (p.Leu997Phe) is a missense variant that results in the substitution of leucine with phenylalanine. This variant has been recurrently observed in individuals with related phenotype (PMID: 23891399; PMID: 15857421; PMID: 21804385). The variant is present at low frequency in population datasets. Based on the available data, this variant is classified as variant of uncertain significance.

Institute of Human Genetics, University of Leipzig Medical Center
Classification: Uncertain significance for Cystic fibrosis. Last evaluated: 2026-03-30. Review status: criteria provided, single submitter. Criteria: ACMG Guidelines, 2015. Collection method: clinical testing. Allele origin: unknown. Inheritance: Autosomal recessive inheritance. Affected: yes.
Comment: Criteria applied: PS3,PM3,BS2,BP2,BP5

Genome Diagnostics Laboratory, The Hospital for Sick Children
Classification: Uncertain significance for Cystic fibrosis. Last evaluated: 2026-02-13. Review status: criteria provided, single submitter. Criteria: ACMG Guidelines, 2015. Collection method: clinical testing. Allele origin: germline. Affected: yes.
Comment: This missense variant results in a change of leucine to phenylalanine at position 997 and in silico analysis does not provide sufficient evidence to support or refute a potential impact on protein function and/or structure. This variant has been previously reported in patients with CFTR-related disorders including azoospermia (with CBAVD), oligospermia, pancreatitis and diffuse bronchiectasis as well as unaffected individuals (PMID: 20021716; PMID: 20460946; PMID: 21804385; PMID: 23751316; PMID: 23613805; PMID: 25033378; PMID: 25797027). In a compound heterozygous state, the c.2991G>C variant has been detected as a simplex or complex allele (with R117L) in patients with a diverse clinical phenotype ranging from severe to mild cystic fibrosis to CFTR-related disorders (Lucarelli et al. (2010) PMID: 20706124). Functional studies suggested that this variant affected the CFTR maturation, processing and reduced the chloride transport to 22.4% of wild type CFTR (PMID: 23891399; PMID: 23974870). In addition, this variant reduced the channel pore size and therefore affected the bicarbonate permeability (PMID: 25033378). Another study showed that the L997F variant slightly affected the CFTR mRNA level (PMID: 25797027). This variant is observed at an allele frequency of 0.18% (2937 of 1611990 alleles) in populations of the Genome Aggregation Database (gnomAD), including 9 homozygotes. Based on the evidence above, this variant is classified as a variant of uncertain significance (VUS) in the context of classical cystic fibrosis and as pathogenic in the context of CFTR-related disorders (ACMG criteria - PS3, PM3, BS1, BS2m).

Labcorp Genetics (formerly Invitae), Labcorp
Classification: Benign for Cystic fibrosis. Last evaluated: 2026-02-04. Review status: criteria provided, single submitter. Criteria: Invitae Variant Classification Sherloc (09022015). Collection method: clinical testing. Allele origin: germline.

Mayo Clinic Laboratories, Mayo Clinic
Classification: Uncertain significance. Last evaluated: 2025-09-09. Review status: criteria provided, single submitter. Criteria: ACMG Guidelines, 2015. Collection method: clinical testing. Allele origin: germline. Observed: 56 variant alleles.
Comment: BS2, PM3_strong

ARUP Laboratories, Molecular Genetics and Genomics, ARUP Laboratories
Classification: Uncertain significance. Last evaluated: 2025-07-28. Review status: criteria provided, single submitter. Criteria: ARUP Molecular Germline Variant Investigation Process 2024. Collection method: clinical testing. Allele origin: germline.
Comment: The CFTR c.2991G>C; p.Leu997Phe variant (rs1800111) has been identified in multiple individuals diagnosed with CFTR-related disorders (Bergougnoux 2015, Gallati 2009, Gomez-Lira 2000, Hamoir 2013, Lucarelli 2010, Masson 2013, Pelletier 2010), but case control studies disagree if this variant is enriched in pancreatitis patients (LaRusch 2014, Gomez-Lira 2000). In addition, individuals homozygous for this variant have been reported to be clinically asymptomatic (Derichs 2005, Stanke 2008, Terlizzi 2017). Functional characterization of the variant protein indicates a reduction in the CFTR chloride transport activity (Bergougnoux 2015, Sosnay 2013, Van Goor 2014), but at a level unlikely to cause cystic fibrosis (Sosnay 2013, Strom 2011). This variant is reported in ClinVar (Variation ID: 7229) and is observed in the general population at a frequency of 0.22% (627/282,204 alleles, including 3 homozygotes) in the Genome Aggregation Database (v2.1.1). Computational analyses are uncertain whether this variant is neutral or deleterious (REVEL: 0.625). Due to the conflicting information regarding this variant, its clinical significance cannot be determined with certainty. References: Bergougnoux A et al. Should diffuse bronchiectasis still be considered a CFTR-related disorder? J Cyst Fibros. 2015; 14(5):646-53. PMID: 25797027. Derichs N et al. Homozygosity for L997F in a child with normal clinical and chloride secretory phenotype provides evidence that this cystic fibrosis transmembrane conductance regulator mutation does not cause cystic fibrosis. Clin Genet. 2005; 67(6):529-31. PMID: 15857421. Gallati S et al Cystic fibrosis transmembrane conductance regulator mutations in azoospermic and oligospermic men and their partners. Reprod Biomed Online. 2009; 19(5):685-94. PMID: 20021716. Gomez-Lira M et al. High frequency of cystic fibrosis transmembrane regulator mutation L997F in patients with recurrent idiopathic pancreatitis and in newborns with hypertrypsinemia. Am J Hum Genet. 2000; 66(6):2013-4. PMID: 10801389. Hamoir C et al. Clinical and morphological characteristics of sporadic genetically determined pancreatitis as compared to idiopathic pancreatitis: higher risk of pancreatic cancer in CFTR variants. Digestion. 2013; 87(4):229-39. PMID: 23751316. LaRusch J et al. Mechanisms of CFTR functional variants that impair regulated bicarbonate permeation and increase risk for pancreatitis but not for cystic fibrosis. PLoS Genet. 2014 10(7):e1004376. PMID: 25033378. Lucarelli M et al. A new complex allele of the CFTR gene partially explains the variable phenotype of the L997F mutation. Genet Med. 2010; 12(9):548-55. PMID: 20706124. Masson E et al. A conservative assessment of the major genetic causes of idiopathic chronic pancreatitis: data from a comprehensive analysis of PRSS1, SPINK1, CTRC and CFTR genes in 253 young French patients. PLoS One. 2013; 8(8):e73522. PMID: 23951356. Pelletier A et al. CFTR gene mutation in patients with apparently idiopathic pancreatitis: lack of phenotype-genotype correlation. Pancreatology. 2010; 10(2-3):158-64. PMID: 20460946. Sosnay PR et al. Defining the disease liability of variants in the cystic fibrosis transmembrane conductance regulator gene. Nat Genet. 2013; 45(10):1160-7. PMID: 23974870. Stanke F et al. Diversity of the basic defect of homozygous CFTR mutation genotypes in humans. J Med Genet. 2008; 45(1):47-54. PMID: 18178635. Strom C et al. The dangers of including nonclassical cystic fibrosis variants in population-based screening panels: p.L997F, further genotype/phenotype correlation data. Genet Med. 2011; 13(12):1042-4. PMID: 21804385. Terlizzi V et al. Genotype-phenotype correlation and functional studies in patients with cystic fibrosis bearing CFTR complex alleles. J Med Genet. 2017 Apr;54(4):224-235. PMID: 27738188. Van Goor F et al. Effect of ivacaftor on CFTR forms with missense mutations associated with defects in protein processing or function. J Cyst Fibros. 2014; 13(1):29-36. PMID: 23891399.